The following is an entry in ClinVar:

NM_001378120.1(MBD5):c.4543A>G (p.Asn1515Asp)

Gene: MBD5 (methyl-CpG binding domain protein 5; plus strand). Cytogenetic location: 2q23.1.
Variant type: single nucleotide variant.
Coding change: c.4543A>G on transcript NM_001378120.1 (MANE Select); coding-DNA position 4543, A replaced by G.
Protein change: p.Asn1515Asp; replaces asparagine 1515 with aspartic acid.
Molecular consequence: missense variant.
Genome position (GRCh38, 1-based): chr2:148,490,175, A>G. VCF-style: chr2-148490175-A-G. GRCh37 (hg19) VCF-style: chr2-149247744-A-G.
Other names: c.3844A>G, p.Asn1282Asp (NM_018328.5); short protein forms N1282D, N1515D.
Identifiers: ClinVar variation 3729102 (VCV003729102.2).

ClinVar aggregate classification (germline): Uncertain significance (1 of 4 stars; one submission).

Conditions:
Intellectual developmental disorder, autosomal dominant 1. Also called: MBD5 Haploinsufficiency; Intellectual disability, autosomal dominant 1. Identifiers: Orphanet 228402, MedGen C1969562, MONDO:0007974, OMIM 156200.

Submission:

Labcorp Genetics (formerly Invitae), Labcorp
Classification: Uncertain significance for Intellectual developmental disorder, autosomal dominant 1. Last evaluated: 2025-01-17. Review status: criteria provided, single submitter. Criteria: Invitae Variant Classification Sherloc (09022015). Collection method: clinical testing. Allele origin: germline.
Comment: This sequence change replaces asparagine, which is neutral and polar, with aspartic acid, which is acidic and polar, at codon 1282 of the MBD5 protein (p.Asn1282Asp). This variant is not present in population databases (gnomAD no frequency). This variant has not been reported in the literature in individuals affected with MBD5-related conditions. An algorithm developed to predict the effect of missense changes on protein structure and function outputs the following: PolyPhen-2: "Not Available". The aspartic acid amino acid residue is found in multiple mammalian species, which suggests that this missense change does not adversely affect protein function. In summary, the available evidence is currently insufficient to determine the role of this variant in disease. Therefore, it has been classified as a Variant of Uncertain Significance.